The following is an entry in ClinVar:

NM_206937.2(LIG4):c.321C>T (p.Leu107=)

Gene: LIG4 (DNA ligase 4; minus strand). Cytogenetic location: 13q33.3.
Variant type: single nucleotide variant.
Coding change: c.321C>T on transcript NM_206937.2 (MANE Select); coding-DNA position 321, C replaced by T.
Protein change: p.Leu107=; no amino-acid change (leucine 107 retained).
Molecular consequence: synonymous variant.
Genome position (GRCh38, 1-based): chr13:108,210,948, G>A on the plus strand (C>T on the coding strand, the complement: LIG4 is on the minus strand). VCF-style: chr13-108210948-G-A. GRCh37 (hg19) VCF-style: chr13-108863296-G-A.
Other names: c.321C>T, p.Leu107= (NM_001098268.2, NM_001352598.2, NM_001352599.2 and 6 more transcripts); c.120C>T, p.Leu40= (NM_001330595.2); c.357C>T, p.Leu119= (NM_001352604.2); c.321C>T (NM_206937.1).
Identifiers: ClinVar variation 391030 (VCV000391030.5), dbSNP rs751434618, ClinGen allele CA16606744.

ClinVar aggregate classification (germline): Likely benign. Review status: criteria provided, multiple submitters, no conflicts (2 of 4 stars). 3 submissions from 3 submitters: Likely benign (3). Last evaluated 2024-05-14.

Conditions:
DNA ligase IV deficiency. Identifiers: Orphanet 99812, MedGen C1847827, MONDO:0011686, OMIM 606593.

Allele frequency attached by ClinVar (database versions not stated): gnomAD 0.00001; TOPMed 0.00001.
gnomAD v4.1: 3 of 1,613,608 alleles (0.00019%); highest among the groups gnomAD compares: Middle Eastern, 0.016%; no homozygotes.

Submissions (3):

Labcorp Genetics (formerly Invitae), Labcorp
Classification: Likely benign for DNA ligase IV deficiency. Last evaluated: 2024-05-14. Review status: criteria provided, single submitter. Criteria: Invitae Variant Classification Sherloc (09022015). Collection method: clinical testing. Allele origin: germline.

KCCC/NGS Laboratory, Kuwait Cancer Control Center
Classification: Likely benign for DNA ligase IV deficiency. Last evaluated: 2023-07-07. Review status: criteria provided, single submitter. Criteria: ACMG Guidelines, 2015. Collection method: clinical testing. Allele origin: germline. Affected: yes.

GeneDx
Classification: Likely benign. Last evaluated: 2016-11-23. Review status: criteria provided, single submitter. Criteria: GeneDx Variant Classification (06012015). Collection method: clinical testing. Allele origin: germline. Affected: yes.
Comment: This variant is considered likely benign or benign based on one or more of the following criteria: it is a conservative change, it occurs at a poorly conserved position in the protein, it is predicted to be benign by multiple in silico algorithms, and/or has population frequency not consistent with disease.